The following is an entry in ClinVar:

ClinVar aggregate classification (germline): Conflicting classifications of pathogenicity. Review status: criteria provided, conflicting classifications (1 of 4 stars). 6 submissions from 6 submitters: Likely pathogenic (1); Uncertain significance (4); Benign (1). Last evaluated 2026-08-06.

Conditions:
Hereditary cancer-predisposing syndrome. Also called: Neoplastic Syndromes, Hereditary; Hereditary Cancer Syndrome; Tumor predisposition; Hereditary neoplastic syndrome. Identifiers: Orphanet 140162, MedGen C0027672, MeSH D009386, MONDO:0015356.
Ovarian cancer. Also called: OVARIAN CANCER, SOMATIC. Identifiers: Orphanet 213500, MedGen C1140680, MONDO:0008170, OMIM 167000.
PTCH1-related disorder. Also called: PTCH1-related disorders; PTCH1-related condition.
Gorlin syndrome. Also called: Nevoid Basal Cell Carcinoma Syndrome; Basal cell nevus syndrome. Identifiers: Orphanet 377, MedGen C0004779, MONDO:0007187.

Allele frequency attached by ClinVar (database versions not stated): gnomAD exomes below 0.00001; ExAC 0.00001; gnomAD 0.00001; TOPMed 0.00001.
gnomAD v4.1: 14 of 1,613,762 alleles (0.00087%); highest among the groups gnomAD compares: South Asian, 0.0011%; no homozygotes.

Submissions (6):

PreventionGenetics, part of Exact Sciences
Classification: Uncertain significance for PTCH1-related condition. Last evaluated: 2026-08-06. Review status: criteria provided, single submitter. Criteria: ACMG Guidelines, 2015. Collection method: clinical testing. Allele origin: germline.
Comment: The PTCH1 c.3292G>A variant is predicted to result in the amino acid substitution p.Val1098Ile. To our knowledge, this variant has not been reported in the literature. This variant is reported in 0.0033% of alleles in individuals of South Asian descent in gnomAD. This variant has conflicting interpretations in ClinVar ranging from benign, to uncertain significance and likely pathogenic (Variation ID: 524510). At this time, the clinical significance of this variant is uncertain due to the absence of conclusive functional and genetic evidence.

Labcorp Genetics (formerly Invitae), Labcorp
Classification: Benign for Gorlin syndrome. Last evaluated: 2025-10-12. Review status: criteria provided, single submitter. Criteria: Invitae Variant Classification Sherloc (09022015). Collection method: clinical testing. Allele origin: germline.

Ambry Genetics
Classification: Uncertain significance for Hereditary cancer-predisposing syndrome. Last evaluated: 2024-05-24. Review status: criteria provided, single submitter. Criteria: Ambry Variant Classification Scheme 2023. Collection method: clinical testing. Allele origin: germline.
Comment: The p.V1098I variant (also known as c.3292G>A), located in coding exon 19 of the PTCH1 gene, results from a G to A substitution at nucleotide position 3292. The valine at codon 1098 is replaced by isoleucine, an amino acid with highly similar properties. This amino acid position is highly conserved in available vertebrate species. In addition, this alteration is predicted to be deleterious by in silico analysis. Based on the available evidence, the clinical significance of this variant remains unclear.

GeneDx
Classification: Uncertain significance. Last evaluated: 2022-09-20. Review status: criteria provided, single submitter. Criteria: GeneDx Variant Classification Process June 2021. Collection method: clinical testing. Allele origin: germline. Affected: yes.
Comment: Not observed at significant frequency in large population cohorts (gnomAD); In silico analysis supports that this missense variant does not alter protein structure/function; Has not been previously published as pathogenic or benign to our knowledge

CeGaT Center for Human Genetics Tuebingen
Classification: Uncertain significance. Last evaluated: 2022-06-01. Review status: criteria provided, single submitter. Criteria: CeGaT Center For Human Genetics Tuebingen Variant Classification Criteria Version 2. Collection method: clinical testing. Allele origin: germline. Affected: yes. Observed: 1 variant allele.
Comment: PTCH1: PM2, PP3

Laboratory of Molecular Epidemiology of Birth Defects, West China Second University Hospital, Sichuan University
Classification: Likely pathogenic for Ovarian cancer. Last evaluated: 2022-01-01. Review status: criteria provided, single submitter. Criteria: ACMG Guidelines, 2015. Collection method: clinical testing. Allele origin: germline. Affected: yes.

NM_000264.5(PTCH1):c.3292G>A (p.Val1098Ile)

Gene: PTCH1 (patched 1; minus strand). Cytogenetic location: 9q22.32.
Variant type: single nucleotide variant.
Coding change: c.3292G>A on transcript NM_000264.5 (MANE Select); coding-DNA position 3292, G replaced by A.
Protein change: p.Val1098Ile; replaces valine 1098 with isoleucine.
Molecular consequence: missense variant. On other transcripts: non-coding transcript variant (1).
Genome position (GRCh38, 1-based): chr9:95,456,290, C>T on the plus strand (G>A on the coding strand, the complement: PTCH1 is on the minus strand). VCF-style: chr9-95456290-C-T. GRCh37 (hg19) VCF-style: chr9-98218572-C-T.
Other names: c.3094G>A, p.Val1032Ile (NM_001083602.3); c.3289G>A, p.Val1097Ile (NM_001083603.3); c.2839G>A, p.Val947Ile (NM_001083604.3, NM_001083605.3, NM_001083606.3 and 1 more transcripts); c.3136G>A, p.Val1046Ile (NM_001354918.2); short protein forms V1098I, V1032I, V1097I, V1046I, V947I.
Identifiers: ClinVar variation 524510 (VCV000524510.46), dbSNP rs748726158, ClinGen allele CA5138191.